The following is an entry in ClinVar:

ClinVar aggregate classification (germline): Likely benign. Review status: criteria provided, multiple submitters, no conflicts (2 of 4 stars). 2 submissions from 2 submitters: Likely benign (2). Last evaluated 2026-01-01.

Submissions (2):

CeGaT Center for Human Genetics Tuebingen
Classification: Likely benign. Last evaluated: 2026-01-01. Review status: criteria provided, single submitter. Criteria: CeGaT Center For Human Genetics Tuebingen Variant Classification Criteria Version 2. Collection method: clinical testing. Allele origin: germline. Affected: yes. Observed: 2 variant alleles.
Comment: USP18: BS1

Blueprint Genetics
Classification: Likely benign. Last evaluated: 2024-11-28. Review status: criteria provided, single submitter. Criteria: ACMG Guidelines, 2015. Collection method: clinical testing. Allele origin: germline.

NM_017414.4(USP18):c.295G>A (p.Val99Ile)

Gene: USP18 (ubiquitin specific peptidase 18; plus strand). Cytogenetic location: 22q11.21.
Variant type: single nucleotide variant.
Coding change: c.295G>A on transcript NM_017414.4 (MANE Select); coding-DNA position 295, G replaced by A.
Protein change: p.Val99Ile; replaces valine 99 with isoleucine.
Molecular consequence: missense variant.
Genome position (GRCh38, 1-based): chr22:18,161,830, G>A. VCF-style: chr22-18161830-G-A. GRCh37 (hg19) VCF-style: chr22-18644597-G-A.
Other names: short protein forms V99I.
Identifiers: ClinVar variation 4533562 (VCV004533562.7).